The following is an entry in ClinVar:

ClinVar aggregate classification (germline): Conflicting classifications of pathogenicity. Review status: criteria provided, conflicting classifications (1 of 4 stars). 5 submissions from 4 submitters: Uncertain significance (4); Benign (1). Last evaluated 2022-09-27.

Conditions:
Syndactyly. Also called: Webbed fingers or toes. Identifiers: MedGen C0039075, MONDO:0021002, HP:0001159.
Spondylocostal dysostosis 1, autosomal recessive (SCDO1). Also called: DLL3-Related Spondylocostal Dysostosis, Autosomal Recessive. Identifiers: Orphanet 2311, MedGen CN032975, MONDO:0020692, OMIM 277300.

Allele frequency attached by ClinVar (database versions not stated): ESP Exome Variant Server 0.00046; gnomAD 0.00046 and 0.00044; ExAC 0.00041; TOPMed 0.00042; gnomAD exomes 0.00050.
gnomAD v4.1: 690 of 1,612,954 alleles (0.043%); highest among the groups gnomAD compares: Non-Finnish European, 0.049%; 3 homozygotes.

Submissions (5):

Labcorp Genetics (formerly Invitae), Labcorp
Classification: Uncertain significance. Last evaluated: 2022-09-27. Review status: criteria provided, single submitter. Criteria: Invitae Variant Classification Sherloc (09022015). Collection method: clinical testing. Allele origin: germline.
Comment: This sequence change replaces glycine, which is neutral and non-polar, with arginine, which is basic and polar, at codon 269 of the DLL3 protein (p.Gly269Arg). This variant is present in population databases (rs139297205, gnomAD 0.1%), and has an allele count higher than expected for a pathogenic variant. This missense change has been observed in individual(s) with congenital vertebral malformations (PMID: 17041936). ClinVar contains an entry for this variant (Variation ID: 449192). Algorithms developed to predict the effect of missense changes on protein structure and function output the following: SIFT: "Tolerated"; PolyPhen-2: "Probably Damaging"; Align-GVGD: "Class C0". The arginine amino acid residue is found in multiple mammalian species, which suggests that this missense change does not adversely affect protein function. Algorithms developed to predict the effect of sequence changes on RNA splicing suggest that this variant may create or strengthen a splice site. In summary, the available evidence is currently insufficient to determine the role of this variant in disease. Therefore, it has been classified as a Variant of Uncertain Significance.

Department of Pathology and Laboratory Medicine, Sinai Health System
Classification: Uncertain significance for spondylocostal dysostosis 1, autosomal recessive. Last evaluated: 2021-07-30. Review status: criteria provided, single submitter. Criteria: ACMG Guidelines, 2015. Collection method: research. Allele origin: germline.

GeneDx
Classification: Uncertain significance. Last evaluated: 2021-03-08. Review status: criteria provided, single submitter. Criteria: GeneDx Variant Classification Process June 2021. Collection method: clinical testing. Allele origin: germline. Affected: yes.
Comment: In silico analysis supports that this missense variant has a deleterious effect on protein structure/function; In-silico analysis, which includes splice predictors and evolutionary conservation, is inconclusive as to whether the variant alters gene splicing. In the absence of RNA/functional studies, the actual effect of this sequence change is unknown.; This variant is associated with the following publications: (PMID: 17041936, 23496422, 19154516)

Illumina Laboratory Services, Illumina
Classification: Benign for Non-syndromic syndactyly. Last evaluated: 2017-04-27. Review status: criteria provided, single submitter. Criteria: ICSL Variant Classification Criteria 13 December 2019. Collection method: clinical testing. Allele origin: germline.
Comment: This variant was observed as part of a predisposition screen in an ostensibly healthy population. A literature search was performed for the gene, cDNA change, and amino acid change (where applicable). No publications were found based on this search. Allele frequency data from public databases was too high to be consistent with this variant causing disease. Therefore, this variant is classified as benign.

Illumina Laboratory Services, Illumina
Classification: Uncertain significance for Spondylocostal dysostosis 1, autosomal recessive. Last evaluated: 2017-04-27. Review status: criteria provided, single submitter. Criteria: ICSL Variant Classification Criteria 13 December 2019. Collection method: clinical testing. Allele origin: germline.

Literature cited by the submitters: PubMed 17041936 (cited by Labcorp Genetics (formerly Invitae), Labcorp).

NM_203486.3(DLL3):c.805G>A (p.Gly269Arg)

Gene: DLL3 (delta like canonical Notch ligand 3; plus strand). Cytogenetic location: 19q13.2.
Variant type: single nucleotide variant.
Coding change: c.805G>A on transcript NM_203486.3 (MANE Select); coding-DNA position 805, G replaced by A.
Protein change: p.Gly269Arg; replaces glycine 269 with arginine.
Molecular consequence: missense variant.
Genome position (GRCh38, 1-based): chr19:39,504,223, G>A. VCF-style: chr19-39504223-G-A. GRCh37 (hg19) VCF-style: chr19-39994863-G-A.
Other names: c.805G>A, p.Gly269Arg (NM_016941.4); short protein forms G269R.
Identifiers: ClinVar variation 449192 (VCV000449192.10), dbSNP rs139297205, ClinGen allele CA9432269.